The following is an entry in ClinVar:

ClinVar aggregate classification (germline): Pathogenic/Likely pathogenic. Review status: criteria provided, multiple submitters, no conflicts (2 of 4 stars). 3 submissions from 3 submitters: Pathogenic (1); Likely pathogenic (2). Last evaluated 2025-07-30.

Allele frequency attached by ClinVar (database versions not stated): gnomAD exomes below 0.00001.
gnomAD v4.1: 1 of 1,614,136 alleles (0.000062%); highest among the groups gnomAD compares: Non-Finnish European, 0.000085%; no homozygotes.

Submissions (3):

Labcorp Genetics (formerly Invitae), Labcorp
Classification: Pathogenic. Last evaluated: 2025-07-30. Review status: criteria provided, single submitter. Criteria: Invitae Variant Classification Sherloc (09022015). Collection method: clinical testing. Allele origin: germline.
Comment: This sequence change replaces glycine, which is neutral and non-polar, with arginine, which is basic and polar, at codon 203 of the RP1 protein (p.Gly203Arg). This variant is not present in population databases (gnomAD no frequency). This missense change has been observed in individuals with autosomal recessive retinitis pigmentosa (PMID: 24265693, 32587456, 37644014, 37734845). It has also been observed to segregate with disease in related individuals. ClinVar contains an entry for this variant (Variation ID: 191224). An algorithm developed to predict the effect of missense changes on protein structure and function (PolyPhen-2) suggests that this variant is likely to be disruptive. This variant disrupts the p.Gly203 amino acid residue in RP1. Other variant(s) that disrupt this residue have been observed in individuals with RP1-related conditions (PMID: 24938718), which suggests that this may be a clinically significant amino acid residue. For these reasons, this variant has been classified as Pathogenic.

Institute of Medical Genetics and Applied Genomics, University Hospital Tübingen
Classification: Likely pathogenic. Last evaluated: 2020-10-23. Review status: criteria provided, single submitter. Criteria: ACMG Guidelines, 2015. Collection method: clinical testing. Allele origin: germline. Inheritance: Autosomal unknown. Affected: yes.

Genomic Medicine Center of Excellence, King Faisal Specialist Hospital and Research Centre
Classification: Likely pathogenic. Review status: criteria provided, single submitter. Criteria: ACMG Guidelines, 2015. Collection method: research. Allele origin: germline. Affected: yes.

Literature cited by the submitters: PubMed 24265693 (cited by Labcorp Genetics (formerly Invitae), Labcorp); PubMed 32587456 (cited by Labcorp Genetics (formerly Invitae), Labcorp); PubMed 37644014 (cited by Labcorp Genetics (formerly Invitae), Labcorp); PubMed 37734845 (cited by Labcorp Genetics (formerly Invitae), Labcorp); PubMed 24938718 (cited by Labcorp Genetics (formerly Invitae), Labcorp).

NM_006269.2(RP1):c.607G>A (p.Gly203Arg)

Gene: RP1 (RP1 axonemal microtubule associated; plus strand). Cytogenetic location: 8q12.1.
Variant type: single nucleotide variant.
Coding change: c.607G>A on transcript NM_006269.2 (MANE Select); coding-DNA position 607, G replaced by A.
Protein change: p.Gly203Arg; replaces glycine 203 with arginine.
Molecular consequence: missense variant.
Genome position (GRCh38, 1-based): chr8:54,621,573, G>A. VCF-style: chr8-54621573-G-A. GRCh37 (hg19) VCF-style: chr8-55534133-G-A.
Other names: short protein forms G203R.
Identifiers: ClinVar variation 191224 (VCV000191224.5), dbSNP rs786205589, ClinGen allele CA236296.